The following is an entry in ClinVar:

NM_001004127.3(ALG11):c.406C>T (p.Arg136Cys)

Gene: ALG11 (ALG11 alpha-1,2-mannosyltransferase; plus strand). Cytogenetic location: 13q14.3.
Variant type: single nucleotide variant.
Coding change: c.406C>T on transcript NM_001004127.3 (MANE Select); coding-DNA position 406, C replaced by T.
Protein change: p.Arg136Cys; replaces arginine 136 with cysteine.
Molecular consequence: missense variant.
Genome position (GRCh38, 1-based): chr13:52,024,136, C>T. VCF-style: chr13-52024136-C-T. GRCh37 (hg19) VCF-style: chr13-52598272-C-T.
Other names: short protein forms R136C.
Identifiers: ClinVar variation 538870 (VCV000538870.15), dbSNP rs150101415, ClinGen allele CA6989902.

ClinVar aggregate classification (germline): Uncertain significance. Review status: criteria provided, multiple submitters, no conflicts (2 of 4 stars). 6 submissions from 6 submitters: Uncertain significance (6). Last evaluated 2026-01-12.

Conditions:
ALG11-congenital disorder of glycosylation. Also called: CONGENITAL DISORDER OF GLYCOSYLATION, TYPE Ip; ALG11-CDG. Identifiers: Orphanet 280071, MedGen C3150913, MONDO:0013349, OMIM 613661.

Allele frequency attached by ClinVar (database versions not stated): 1000 Genomes Project 30x 0.00016; gnomAD 0.00019 and 0.00020; 1000 Genomes Project 0.00020; gnomAD exomes 0.00021 and 0.00023; ExAC 0.00022; TOPMed 0.00029; ESP Exome Variant Server 0.00031.

Submissions (6):

Labcorp Genetics (formerly Invitae), Labcorp
Classification: Uncertain significance for ALG11-congenital disorder of glycosylation. Last evaluated: 2026-01-12. Review status: criteria provided, single submitter. Criteria: Invitae Variant Classification Sherloc (09022015). Collection method: clinical testing. Allele origin: germline.
Comment: This sequence change replaces arginine, which is basic and polar, with cysteine, which is neutral and slightly polar, at codon 136 of the ALG11 protein (p.Arg136Cys). This variant is present in population databases (rs150101415, gnomAD 0.1%). This variant has not been reported in the literature in individuals affected with ALG11-related conditions. ClinVar contains an entry for this variant (Variation ID: 538870). Invitae Evidence Modeling of protein sequence and biophysical properties (such as structural, functional, and spatial information, amino acid conservation, physicochemical variation, residue mobility, and thermodynamic stability) indicates that this missense variant is expected to disrupt ALG11 protein function with a positive predictive value of 80%. In summary, the available evidence is currently insufficient to determine the role of this variant in disease. Therefore, it has been classified as a Variant of Uncertain Significance.

New York Genome Center
Classification: Uncertain significance for ALG11-congenital disorder of glycosylation. Last evaluated: 2020-04-18. Review status: criteria provided, single submitter. Criteria: NYGC Assertion Criteria 2020. Collection method: clinical testing. Allele origin: germline. Observed: 1 heterozygote. Study: CSER-NYCKidSeq.

GeneDx
Classification: Uncertain significance. Last evaluated: 2019-11-14. Review status: criteria provided, single submitter. Criteria: GeneDx Variant Classification Process June 2021. Collection method: clinical testing. Allele origin: germline. Affected: yes.
Comment: In silico analysis, which includes protein predictors and evolutionary conservation, supports a deleterious effect; Has not been previously published as pathogenic or benign to our knowledge

Baylor Genetics
Classification: Uncertain significance for ALG11-congenital disorder of glycosylation. Last evaluated: 2018-08-30. Review status: criteria provided, single submitter. Criteria: ACMG Guidelines, 2015. Collection method: clinical testing. Allele origin: unknown. Affected: yes.
Comment: This variant was determined to be of uncertain significance according to ACMG Guidelines, 2015 [PMID:25741868].

Illumina Laboratory Services, Illumina
Classification: Uncertain significance for ALG11-congenital disorder of glycosylation. Last evaluated: 2018-01-12. Review status: criteria provided, single submitter. Criteria: ICSL Variant Classification Criteria 13 December 2019. Collection method: clinical testing. Allele origin: germline.

Breakthrough Genomics
Classification: Uncertain significance. Review status: criteria provided, single submitter. Criteria: ACMG Guidelines, 2015. Collection method: not provided. Allele origin: germline. Inheritance: Autosomal recessive inheritance. Affected: yes.